The following is an entry in ClinVar:

ClinVar aggregate classification (germline): Uncertain significance (1 of 4 stars; one submission).

Conditions:
Charcot-Marie-Tooth disease axonal type 2F (CMT2F). Also called: CHARCOT-MARIE-TOOTH DISEASE, NEURONAL, TYPE 2F; Charcot-Marie-Tooth Neuropathy Type 2F. Identifiers: Orphanet 99940, MedGen C1847823, MONDO:0011687, OMIM 606595.

Submission:

Labcorp Genetics (formerly Invitae), Labcorp
Classification: Uncertain significance for Charcot-Marie-Tooth disease axonal type 2F. Last evaluated: 2025-04-11. Review status: criteria provided, single submitter. Criteria: Invitae Variant Classification Sherloc (09022015). Collection method: clinical testing. Allele origin: germline.
Comment: This sequence change replaces aspartic acid, which is acidic and polar, with glutamic acid, which is acidic and polar, at codon 200 of the HSPB1 protein (p.Asp200Glu). This variant is not present in population databases (gnomAD no frequency). This variant has not been reported in the literature in individuals affected with HSPB1-related conditions. Invitae Evidence Modeling of protein sequence and biophysical properties (such as structural, functional, and spatial information, amino acid conservation, physicochemical variation, residue mobility, and thermodynamic stability) indicates that this missense variant is not expected to disrupt HSPB1 protein function with a negative predictive value of 95%. In summary, the available evidence is currently insufficient to determine the role of this variant in disease. Therefore, it has been classified as a Variant of Uncertain Significance.

NM_001540.5(HSPB1):c.600T>A (p.Asp200Glu)

Gene: HSPB1 (heat shock protein family B (small) member 1; plus strand). Cytogenetic location: 7q11.23.
Variant type: single nucleotide variant.
Coding change: c.600T>A on transcript NM_001540.5 (MANE Select); coding-DNA position 600, T replaced by A.
Protein change: p.Asp200Glu; replaces aspartic acid 200 with glutamic acid.
Molecular consequence: missense variant.
Genome position (GRCh38, 1-based): chr7:76,304,155, T>A. VCF-style: chr7-76304155-T-A. GRCh37 (hg19) VCF-style: chr7-75933472-T-A.
Other names: short protein forms D200E.
Identifiers: ClinVar variation 4749174 (VCV004749174.1).